The following is an entry in ClinVar:

NM_005045.4(RELN):c.8181T>A (p.Asp2727Glu)

Genes: RELN (reelin; minus strand), SLC26A5-AS1 (SLC26A5 antisense RNA 1; plus strand). Cytogenetic location: 7q22.1.
Variant type: single nucleotide variant.
Coding change: c.8181T>A on transcript NM_005045.4 (MANE Select); coding-DNA position 8181, T replaced by A.
Protein change: p.Asp2727Glu; replaces aspartic acid 2727 with glutamic acid.
Molecular consequence: missense variant.
Genome position (GRCh38, 1-based): chr7:103,510,944, A>T on the plus strand (T>A on the coding strand, the complement: RELN is on the minus strand). VCF-style: chr7-103510944-A-T. GRCh37 (hg19) VCF-style: chr7-103151391-A-T.
Other names: c.8181T>A, p.Asp2727Glu (NM_173054.3); c.8181T>A (NM_005045.3); short protein forms D2727E.
Identifiers: ClinVar variation 2417884 (VCV002417884.8), dbSNP rs778861276, ClinGen allele CA368761539.
Genomic context (GRCh38, chr7:103,510,944, plus strand): 5'-CAGGTCATGGGTCACTGCATACACCTCCCGTCCATCATGACTGCCACAGAGCATCACACC[A>T]TCAGGGGAGTCACAGAATCTTTCTACTGTACAATCATCATGGAATAGCCAGTGCTCATTC-3'
Protein context (NP_005036.2, residues 2717-2737): CTVERFCDSP[Asp2727Glu]GVMLCGSHDG

ClinVar aggregate classification (germline): Uncertain significance. Review status: criteria provided, multiple submitters, no conflicts (2 of 4 stars). 2 submissions from 2 submitters: Uncertain significance (2). Last evaluated 2024-05-21.

Conditions:
Familial temporal lobe epilepsy 7. Identifiers: Orphanet 101046, MedGen C4225327, MONDO:0014639, OMIM 616436.
Norman-Roberts syndrome (LIS2). Also called: Lissencephaly 2 (Norman-Roberts type). Identifiers: Orphanet 89844, MedGen C0796089, MONDO:0009760, OMIM 257320.
Inborn genetic diseases. Identifiers: MedGen C0950123, MeSH D030342.

Submissions (2):

Labcorp Genetics (formerly Invitae), Labcorp
Classification: Uncertain significance for Familial temporal lobe epilepsy 7; Norman-Roberts syndrome. Last evaluated: 2024-05-21. Review status: criteria provided, single submitter. Criteria: Invitae Variant Classification Sherloc (09022015). Collection method: clinical testing. Allele origin: germline.
Comment: This sequence change replaces aspartic acid, which is acidic and polar, with glutamic acid, which is acidic and polar, at codon 2727 of the RELN protein (p.Asp2727Glu). This variant is not present in population databases (gnomAD no frequency). This variant has not been reported in the literature in individuals affected with RELN-related conditions. ClinVar contains an entry for this variant (Variation ID: 2417884). Advanced modeling of protein sequence and biophysical properties (such as structural, functional, and spatial information, amino acid conservation, physicochemical variation, residue mobility, and thermodynamic stability) performed at Invitae indicates that this missense variant is not expected to disrupt RELN protein function with a negative predictive value of 80%. In summary, the available evidence is currently insufficient to determine the role of this variant in disease. Therefore, it has been classified as a Variant of Uncertain Significance.

Ambry Genetics
Classification: Uncertain significance for Inborn genetic diseases. Last evaluated: 2023-01-24. Review status: criteria provided, single submitter. Criteria: Ambry Variant Classification Scheme 2023. Collection method: clinical testing. Allele origin: germline.